The following is an entry in ClinVar:

NM_005670.4(EPM2A):c.94T>A (p.Trp32Arg)

Genes: EPM2A (EPM2A glucan phosphatase, laforin; minus strand), EPM2A-DT (EPM2A divergent transcript; plus strand), LOC129997381 (ATAC-STARR-seq lymphoblastoid silent region 17642; plus strand). Cytogenetic location: 6q24.3.
Variant type: single nucleotide variant.
Coding change: c.94T>A on transcript NM_005670.4 (MANE Select); coding-DNA position 94, T replaced by A.
Protein change: p.Trp32Arg; replaces tryptophan 32 with arginine.
Molecular consequence: missense variant. On other transcripts: 5 prime UTR variant (3), intron variant (1).
Genome position (GRCh38, 1-based): chr6:145,735,405, A>T on the plus strand (T>A on the coding strand, the complement: EPM2A is on the minus strand). VCF-style: chr6-145735405-A-T. GRCh37 (hg19) VCF-style: chr6-146056541-A-T.
Other names: c.94T>A, p.Trp32Arg (NM_001018041.2, NM_001360057.2, NM_001368130.1); c.-576T>A (NM_001360071.2); c.-530T>A (NM_001368129.2); c.-274T>A (NM_001368131.1); c.-114+503T>A (NM_001360064.2); short protein forms W32R.
Identifiers: ClinVar variation 567018 (VCV000567018.7), dbSNP rs104893955, ClinGen allele CA366188422.

ClinVar aggregate classification (germline): Uncertain significance (1 of 4 stars; one submission).

Conditions:
Progressive myoclonic epilepsy. Also called: Familial progressive myoclonic epilepsy; Myoclonus epilepsy; Myoclonic Epilepsies, Progressive; Progressive myoclonus epilepsy. Identifiers: Orphanet 308, Orphanet 98261, MedGen C0751778, MONDO:0020074.

Submission:

Labcorp Genetics (formerly Invitae), Labcorp
Classification: Uncertain significance for Progressive myoclonic epilepsy. Last evaluated: 2018-04-05. Review status: criteria provided, single submitter. Criteria: Invitae Variant Classification Sherloc (09022015). Collection method: clinical testing. Allele origin: germline.
Comment: While this variant is not present in population databases, the frequency information is unreliable, as metrics indicate poor data quality at this position in the ExAC database. This sequence change replaces tryptophan with arginine at codon 32 of the EPM2A protein (p.Trp32Arg). The tryptophan residue is moderately conserved and there is a moderate physicochemical difference between tryptophan and arginine. Algorithms developed to predict the effect of missense changes on protein structure and function do not agree on the potential impact of this missense change (SIFT: "Deleterious"; PolyPhen-2: "Probably Damaging"; Align-GVGD: "Class C0"). In summary, the available evidence is currently insufficient to determine the role of this variant in disease. Therefore, it has been classified as a Variant of Uncertain Significance. A different missense substitution at this codon (p.Trp32Gly) has been determined to be pathogenic (PMID: 10932264, 11739371, 12019207, 14532330). This suggests that the tryptophan residue is critical for EPM2A protein function and that other missense substitutions at this position may also be pathogenic.

Literature cited by the submitters: PubMed 10932264; PubMed 11739371; PubMed 12019207; PubMed 14532330.